The following is an entry in ClinVar:

ClinVar aggregate classification (germline): Uncertain significance. Review status: criteria provided, multiple submitters, no conflicts (2 of 4 stars). 2 submissions from 2 submitters: Uncertain significance (2). Last evaluated 2024-08-28.

Conditions:
Inborn genetic diseases. Identifiers: MedGen C0950123, MeSH D030342.

Allele frequency attached by ClinVar (database versions not stated): gnomAD 0.00004.
gnomAD v4.1: 42 of 1,613,046 alleles (0.0026%); highest among the groups gnomAD compares: Middle Eastern, 0.43%; 1 homozygote.

Submissions (2):

Ambry Genetics
Classification: Uncertain significance for Inborn genetic diseases. Last evaluated: 2024-08-28. Review status: criteria provided, single submitter. Criteria: Ambry Variant Classification Scheme 2023. Collection method: clinical testing. Allele origin: germline.

Labcorp Genetics (formerly Invitae), Labcorp
Classification: Uncertain significance. Last evaluated: 2021-04-24. Review status: criteria provided, single submitter. Criteria: Invitae Variant Classification Sherloc (09022015). Collection method: clinical testing. Allele origin: germline.
Comment: This variant is present in population databases (rs747430471, ExAC 0.01%). In summary, the available evidence is currently insufficient to determine the role of this variant in disease. Therefore, it has been classified as a Variant of Uncertain Significance. Algorithms developed to predict the effect of sequence changes on RNA splicing suggest that this variant may create or strengthen a splice site, but this prediction has not been confirmed by published transcriptional studies. Algorithms developed to predict the effect of missense changes on protein structure and function (SIFT, PolyPhen-2, Align-GVGD) all suggest that this variant is likely to be disruptive, but these predictions have not been confirmed by published functional studies and their clinical significance is uncertain. This variant has not been reported in the literature in individuals with H6PD-related conditions. This sequence change replaces isoleucine with serine at codon 651 of the H6PD protein (p.Ile651Ser). The isoleucine residue is highly conserved and there is a large physicochemical difference between isoleucine and serine.

NM_004285.4(H6PD):c.1952T>G (p.Ile651Ser)

Gene: H6PD (hexose-6-phosphate dehydrogenase/glucose 1-dehydrogenase; plus strand). Cytogenetic location: 1p36.22.
Variant type: single nucleotide variant.
Coding change: c.1952T>G on transcript NM_004285.4 (MANE Select); coding-DNA position 1952, T replaced by G.
Protein change: p.Ile651Ser; replaces isoleucine 651 with serine.
Molecular consequence: missense variant.
Genome position (GRCh38, 1-based): chr1:9,264,445, T>G. VCF-style: chr1-9264445-T-G. GRCh37 (hg19) VCF-style: chr1-9324504-T-G.
Other names: c.1985T>G, p.Ile662Ser (NM_001282587.2); c.1952T>G (NM_004285.3); short protein forms I662S, I651S.
Identifiers: ClinVar variation 1415348 (VCV001415348.8), dbSNP rs747430471, ClinGen allele CA575476.